The following is an entry in ClinVar:

NM_053025.4(MYLK):c.2099G>A (p.Ser700Asn)

Gene: MYLK (myosin light chain kinase; minus strand). Cytogenetic location: 3q21.1.
Variant type: single nucleotide variant.
Coding change: c.2099G>A on transcript NM_053025.4 (MANE Select); coding-DNA position 2099, G replaced by A.
Protein change: p.Ser700Asn; replaces serine 700 with asparagine.
Molecular consequence: missense variant.
Genome position (GRCh38, 1-based): chr3:123,708,739, C>T on the plus strand (G>A on the coding strand, the complement: MYLK is on the minus strand). VCF-style: chr3-123708739-C-T. GRCh37 (hg19) VCF-style: chr3-123427586-C-T.
Other names: c.1571G>A, p.Ser524Asn (NM_001321309.2); c.1892G>A, p.Ser631Asn (NM_053026.4, NM_053028.4); c.2099G>A, p.Ser700Asn (NM_053027.4); short protein forms S524N, S700N, S631N.
Identifiers: ClinVar variation 3682821 (VCV003682821.2).

ClinVar aggregate classification (germline): Uncertain significance (1 of 4 stars; one submission).

Conditions:
Aortic aneurysm, familial thoracic 7 (AAT7). Also called: AORTIC DISSECTION, FAMILIAL, WITH OR WITHOUT AORTIC ANEURYSM. Identifiers: MedGen C3151077, MONDO:0013418, OMIM 613780.

Submission:

Labcorp Genetics (formerly Invitae), Labcorp
Classification: Uncertain significance for Aortic aneurysm, familial thoracic 7. Last evaluated: 2025-01-23. Review status: criteria provided, single submitter. Criteria: Invitae Variant Classification Sherloc (09022015). Collection method: clinical testing. Allele origin: germline.
Comment: This sequence change replaces serine, which is neutral and polar, with asparagine, which is neutral and polar, at codon 700 of the MYLK protein (p.Ser700Asn). This variant is not present in population databases (gnomAD no frequency). This variant has not been reported in the literature in individuals affected with MYLK-related conditions. Invitae Evidence Modeling of protein sequence and biophysical properties (such as structural, functional, and spatial information, amino acid conservation, physicochemical variation, residue mobility, and thermodynamic stability) indicates that this missense variant is not expected to disrupt MYLK protein function with a negative predictive value of 80%. In summary, the available evidence is currently insufficient to determine the role of this variant in disease. Therefore, it has been classified as a Variant of Uncertain Significance.